The following is an entry in ClinVar:

NM_001371928.1(AHDC1):c.1768C>T (p.Arg590Trp)

Gene: AHDC1 (AT-hook DNA binding motif containing 1; minus strand). Cytogenetic location: 1p36.11.
Variant type: single nucleotide variant.
Coding change: c.1768C>T on transcript NM_001371928.1 (MANE Select); coding-DNA position 1768, C replaced by T.
Protein change: p.Arg590Trp; replaces arginine 590 with tryptophan.
Molecular consequence: missense variant.
Genome position (GRCh38, 1-based): chr1:27,550,348, G>A on the plus strand (C>T on the coding strand, the complement: AHDC1 is on the minus strand). VCF-style: chr1-27550348-G-A. GRCh37 (hg19) VCF-style: chr1-27876859-G-A.
Other names: c.1768C>T, p.Arg590Trp (NM_001029882.3); short protein forms R590W.
Identifiers: ClinVar variation 1708369 (VCV001708369.2), dbSNP rs1348957460, ClinGen allele CA339233397.

ClinVar aggregate classification (germline): Likely benign (1 of 4 stars; one submission).

Allele frequency attached by ClinVar (database versions not stated): gnomAD exomes below 0.00001; TOPMed 0.00001.
gnomAD v4.1: 3 of 1,614,022 alleles (0.00019%); highest among the groups gnomAD compares: African/African-American, 0.0013%; no homozygotes.

Submission:

Centre of Medical Genetics, University Hospital Muenster
Classification: Likely benign. Last evaluated: 2022-05-06. Review status: criteria provided, single submitter. Criteria: ACMG Guidelines, 2015. Collection method: clinical testing. Allele origin: unknown. Affected: yes. Observed: 1 variant allele, 1 heterozygote.
Comment: ACMG categories: PM1,BS2,BP1